The following is an entry in ClinVar:

NM_001003694.2(BRPF1):c.3190G>A (p.Gly1064Ser)

Gene: BRPF1 (bromodomain and PHD finger containing 1; plus strand). Cytogenetic location: 3p25.3.
Variant type: single nucleotide variant.
Coding change: c.3190G>A on transcript NM_001003694.2 (MANE Select); coding-DNA position 3190, G replaced by A.
Protein change: p.Gly1064Ser; replaces glycine 1064 with serine.
Molecular consequence: missense variant. On other transcripts: non-coding transcript variant (1).
Genome position (GRCh38, 1-based): chr3:9,745,694, G>A. VCF-style: chr3-9745694-G-A. GRCh37 (hg19) VCF-style: chr3-9787378-G-A.
Other names: c.2887G>A, p.Gly963Ser (NM_001319049.2); c.3169G>A, p.Gly1057Ser (NM_001319050.2); c.3187G>A, p.Gly1063Ser (NM_001410704.1); c.3172G>A, p.Gly1058Ser (NM_004634.3); short protein forms G1057S, G1058S, G1063S, G1064S, G963S.
Identifiers: ClinVar variation 2653496 (VCV002653496.24), dbSNP rs368514084, ClinGen allele CA2242329.

ClinVar aggregate classification (germline): Benign (1 of 4 stars; one submission).

Allele frequency attached by ClinVar (database versions not stated): 1000 Genomes Project 30x 0.00031; 1000 Genomes Project 0.00040.
gnomAD v4.1: 312 of 1,614,200 alleles (0.019%); highest among the groups gnomAD compares: South Asian, 0.27%; 5 homozygotes.

Submission:

CeGaT Center for Human Genetics Tuebingen
Classification: Benign. Last evaluated: 2023-02-01. Review status: criteria provided, single submitter. Criteria: CeGaT Center For Human Genetics Tuebingen Variant Classification Criteria Version 2. Collection method: clinical testing. Allele origin: germline. Affected: yes. Observed: 1 variant allele.
Comment: BRPF1: BS1, BS2